The following is an entry in ClinVar:

NM_001370259.2(MEN1):c.653G>A (p.Arg218Gln)

Gene: MEN1 (menin 1; minus strand). Cytogenetic location: 11q13.1.
Variant type: single nucleotide variant.
Coding change: c.653G>A on transcript NM_001370259.2 (MANE Select); coding-DNA position 653, G replaced by A.
Protein change: p.Arg218Gln; replaces arginine 218 with glutamine.
Molecular consequence: missense variant. On other transcripts: intron variant (2).
Genome position (GRCh38, 1-based): chr11:64,807,892, C>T on the plus strand (G>A on the coding strand, the complement: MEN1 is on the minus strand). VCF-style: chr11-64807892-C-T. GRCh37 (hg19) VCF-style: chr11-64575364-C-T.
Other names: c.668G>A, p.Arg223Gln (NM_000244.4, NM_130800.3, NM_130801.3 and 3 more transcripts); c.653G>A, p.Arg218Gln (NM_001370251.2, NM_001370260.2, NM_001370261.2 and 1 more transcripts); c.549+104G>A (NM_001370263.2, NM_001370262.2); short protein forms R218Q, R223Q.
Identifiers: ClinVar variation 826470 (VCV000826470.15), dbSNP rs1423517569, ClinGen allele CA381185291.

ClinVar aggregate classification (germline): Uncertain significance. Review status: criteria provided, multiple submitters, no conflicts (2 of 4 stars). 4 submissions from 4 submitters: Uncertain significance (4). Last evaluated 2025-08-28.

Conditions:
Hereditary cancer-predisposing syndrome. Also called: Neoplastic Syndromes, Hereditary; Hereditary Cancer Syndrome; Hereditary neoplastic syndrome; Tumor predisposition. Identifiers: Orphanet 140162, MedGen C0027672, MeSH D009386, MONDO:0015356.
Multiple endocrine neoplasia, type 1 (MEN1). Also called: MEN I; WERMER SYNDROME; Endocrine adenomatosis multiple; MEN 1; MEA I. Identifiers: Orphanet 652, MedGen C0025267, MeSH D018761, MONDO:0007540, OMIM 131100.

Allele frequency attached by ClinVar (database versions not stated): gnomAD exomes below 0.00001.

Submissions (4):

Color Diagnostics, LLC DBA Color Health
Classification: Uncertain significance for Multiple endocrine neoplasia, type 1. Last evaluated: 2025-08-28. Review status: criteria provided, single submitter. Criteria: ACMG Guidelines, 2015. Collection method: clinical testing. Allele origin: germline.
Comment: This missense variant replaces arginine with glutamine at codon 218 of the MEN1 protein. Computational predictions are inconclusive regarding the impact of this variant on protein structure and function. To our knowledge, functional studies have not been reported for this variant. This variant has not been reported in individuals affected with MEN1-related disorders in the literature. This variant has been identified in 1/250760 chromosomes in the general population by the Genome Aggregation Database (gnomAD). The available evidence is insufficient to determine the role of this variant in disease conclusively. Therefore, this variant is classified as a Variant of Uncertain Significance.

Ambry Genetics
Classification: Uncertain significance for Hereditary cancer-predisposing syndrome. Last evaluated: 2024-01-03. Review status: criteria provided, single submitter. Criteria: Ambry Variant Classification Scheme 2023. Collection method: clinical testing. Allele origin: germline.
Comment: The p.R218Q variant (also known as c.653G>A), located in coding exon 2 of the MEN1 gene, results from a G to A substitution at nucleotide position 653. The arginine at codon 218 is replaced by glutamine, an amino acid with highly similar properties. This amino acid position is well conserved in available vertebrate species. In addition, the in silico prediction for this alteration is inconclusive. Since supporting evidence is limited at this time, the clinical significance of this alteration remains unclear.

Labcorp Genetics (formerly Invitae), Labcorp
Classification: Uncertain significance for Multiple endocrine neoplasia, type 1. Last evaluated: 2023-11-10. Review status: criteria provided, single submitter. Criteria: Invitae Variant Classification Sherloc (09022015). Collection method: clinical testing. Allele origin: germline.
Comment: This sequence change replaces arginine, which is basic and polar, with glutamine, which is neutral and polar, at codon 218 of the MEN1 protein (p.Arg218Gln). This variant is present in population databases (no rsID available, gnomAD 0.003%). This variant has not been reported in the literature in individuals affected with MEN1-related conditions. ClinVar contains an entry for this variant (Variation ID: 826470). An algorithm developed to predict the effect of missense changes on protein structure and function (PolyPhen-2) suggests that this variant is likely to be tolerated. In summary, the available evidence is currently insufficient to determine the role of this variant in disease. Therefore, it has been classified as a Variant of Uncertain Significance.

Baylor Genetics
Classification: Uncertain significance for Multiple Endocrine Neoplasia Type 1. Last evaluated: 2023-07-23. Review status: criteria provided, single submitter. Criteria: ACMG Guidelines, 2015. Collection method: clinical testing. Allele origin: unknown.